The following is an entry in ClinVar:

ClinVar aggregate classification (germline): Conflicting classifications of pathogenicity. Review status: criteria provided, conflicting classifications (1 of 4 stars). 2 submissions from 2 submitters: Uncertain significance (1); Likely benign (1). Last evaluated 2026-01-24.

Conditions:
Hereditary cancer-predisposing syndrome. Also called: Tumor predisposition; Neoplastic Syndromes, Hereditary; Hereditary Cancer Syndrome; Hereditary neoplastic syndrome. Identifiers: Orphanet 140162, MedGen C0027672, MeSH D009386, MONDO:0015356.

Allele frequency attached by ClinVar (database versions not stated): gnomAD exomes below 0.00001 and 0.00001; TOPMed below 0.00001; ExAC 0.00001; gnomAD 0.00001.
gnomAD v4.1: 3 of 1,613,924 alleles (0.00019%); highest among the groups gnomAD compares: Non-Finnish European, 0.000085%; no homozygotes.

Submissions (2):

Labcorp Genetics (formerly Invitae), Labcorp
Classification: Uncertain significance. Last evaluated: 2026-01-24. Review status: criteria provided, single submitter. Criteria: Invitae Variant Classification Sherloc (09022015). Collection method: clinical testing. Allele origin: germline.
Comment: This sequence change replaces asparagine, which is neutral and polar, with serine, which is neutral and polar, at codon 1843 of the POLE protein (p.Asn1843Ser). This variant is present in population databases (rs753680242, gnomAD 0.009%). This variant has not been reported in the literature in individuals affected with POLE-related conditions. ClinVar contains an entry for this variant (Variation ID: 240564). Invitae Evidence Modeling of protein sequence and biophysical properties (such as structural, functional, and spatial information, amino acid conservation, physicochemical variation, residue mobility, and thermodynamic stability) indicates that this missense variant is not expected to disrupt POLE protein function with a negative predictive value of 80%. In summary, the available evidence is currently insufficient to determine the role of this variant in disease. Therefore, it has been classified as a Variant of Uncertain Significance.

Ambry Genetics
Classification: Likely benign for Hereditary cancer-predisposing syndrome. Last evaluated: 2023-04-28. Review status: criteria provided, single submitter. Criteria: Ambry Variant Classification Scheme 2023. Collection method: clinical testing. Allele origin: germline.

NM_006231.4(POLE):c.5528A>G (p.Asn1843Ser)

Gene: POLE (DNA polymerase epsilon, catalytic subunit; minus strand). Cytogenetic location: 12q24.33.
Variant type: single nucleotide variant.
Coding change: c.5528A>G on transcript NM_006231.4 (MANE Select); coding-DNA position 5528, A replaced by G.
Protein change: p.Asn1843Ser; replaces asparagine 1843 with serine.
Molecular consequence: missense variant.
Genome position (GRCh38, 1-based): chr12:132,639,149, T>C on the plus strand (A>G on the coding strand, the complement: POLE is on the minus strand). VCF-style: chr12-132639149-T-C. GRCh37 (hg19) VCF-style: chr12-133215735-T-C.
Other names: short protein forms N1843S.
Identifiers: ClinVar variation 240564 (VCV000240564.12), dbSNP rs753680242, ClinGen allele CA6892501.